The following is an entry in ClinVar:

ClinVar aggregate classification (germline): Uncertain significance (1 of 4 stars; one submission).

Conditions:
Familial thoracic aortic aneurysm and aortic dissection (TAAD). Also called: Thoracic aortic aneurysms and dissections. Identifiers: Orphanet 91387, MedGen C4707243, MONDO:0019625.

Submission:

Ambry Genetics
Classification: Uncertain significance for Familial thoracic aortic aneurysm and aortic dissection. Last evaluated: 2024-10-24. Review status: criteria provided, single submitter. Criteria: Ambry Variant Classification Scheme 2023. Collection method: clinical testing. Allele origin: germline.
Comment: The p.A1742V variant (also known as c.5225C>T), located in coding exon 28 of the NOTCH1 gene, results from a C to T substitution at nucleotide position 5225. The alanine at codon 1742 is replaced by valine, an amino acid with similar properties. This amino acid position is conserved. In addition, this alteration is predicted to be tolerated by in silico analysis. Based on the available evidence, the clinical significance of this variant remains unclear.

NM_017617.5(NOTCH1):c.5225C>T (p.Ala1742Val)

Gene: NOTCH1 (notch receptor 1; minus strand). Cytogenetic location: 9q34.3.
Variant type: single nucleotide variant.
Coding change: c.5225C>T on transcript NM_017617.5 (MANE Select); coding-DNA position 5225, C replaced by T.
Protein change: p.Ala1742Val; replaces alanine 1742 with valine.
Molecular consequence: missense variant.
Genome position (GRCh38, 1-based): chr9:136,502,431, G>A on the plus strand (C>T on the coding strand, the complement: NOTCH1 is on the minus strand). VCF-style: chr9-136502431-G-A. GRCh37 (hg19) VCF-style: chr9-139396883-G-A.
Other names: short protein forms A1742V.
Identifiers: ClinVar variation 3406864 (VCV003406864.1).